The following is an entry in ClinVar:

ClinVar aggregate classification (germline): Uncertain significance. Review status: criteria provided, multiple submitters, no conflicts (2 of 4 stars). 2 submissions from 2 submitters: Uncertain significance (2). Last evaluated 2025-08-08.

Conditions:
Inborn genetic diseases. Identifiers: MedGen C0950123, MeSH D030342.
Gamma-aminobutyric acid transaminase deficiency (GABATD). Also called: GABA transaminase deficiency; Gamma aminobutyrate transaminase deficiency; 4 alpha aminobutyrate transaminase deficiency; GABA aminotransaminase deficiency. Identifiers: Orphanet 2066, MedGen C0342708, MONDO:0013166, OMIM 613163.

gnomAD v4.1: 1 of 1,614,110 alleles (0.000062%); highest among the groups gnomAD compares: Non-Finnish European, 0.000085%; no homozygotes.

Submissions (2):

Ambry Genetics
Classification: Uncertain significance for Inborn genetic diseases. Last evaluated: 2025-08-08. Review status: criteria provided, single submitter. Criteria: Ambry Variant Classification Scheme 2023. Collection method: clinical testing. Allele origin: germline.

Labcorp Genetics (formerly Invitae), Labcorp
Classification: Uncertain significance for Gamma-aminobutyric acid transaminase deficiency. Last evaluated: 2021-08-31. Review status: criteria provided, single submitter. Criteria: Invitae Variant Classification Sherloc (09022015). Collection method: clinical testing. Allele origin: germline.
Comment: This sequence change replaces lysine with asparagine at codon 452 of the ABAT protein (p.Lys452Asn). The lysine residue is moderately conserved and there is a moderate physicochemical difference between lysine and asparagine. This variant is not present in population databases (ExAC no frequency). This variant has not been reported in the literature in individuals affected with ABAT-related conditions. Algorithms developed to predict the effect of missense changes on protein structure and function (SIFT, PolyPhen-2, Align-GVGD) all suggest that this variant is likely to be tolerated. In summary, the available evidence is currently insufficient to determine the role of this variant in disease. Therefore, it has been classified as a Variant of Uncertain Significance.

NM_020686.6(ABAT):c.1356G>T (p.Lys452Asn)

Gene: ABAT (4-aminobutyrate aminotransferase; plus strand). Cytogenetic location: 16p13.2.
Variant type: single nucleotide variant.
Coding change: c.1356G>T on transcript NM_020686.6 (MANE Select); coding-DNA position 1356, G replaced by T.
Protein change: p.Lys452Asn; replaces lysine 452 with asparagine.
Molecular consequence: missense variant. On other transcripts: intron variant (1).
Genome position (GRCh38, 1-based): chr16:8,779,565, G>T. VCF-style: chr16-8779565-G-T. GRCh37 (hg19) VCF-style: chr16-8873422-G-T.
Other names: c.1356G>T (NM_020686.5); c.1356G>T, p.Lys452Asn (NM_000663.5, NM_001127448.2, NM_001386600.1 and 5 more transcripts); c.1317G>T, p.Lys439Asn (NM_001386605.1); c.1293G>T, p.Lys431Asn (NM_001386606.1, NM_001386607.1); c.1263G>T, p.Lys421Asn (NM_001386608.1); c.1221G>T, p.Lys407Asn (NM_001386610.1, NM_001386611.1); c.1158G>T, p.Lys386Asn (NM_001386612.1, NM_001386613.1); c.1110G>T, p.Lys370Asn (NM_001386614.1); and 2 more; short protein forms K386N, K421N, K439N, K484N, K370N, K407N, K431N, K452N.
Identifiers: ClinVar variation 1036489 (VCV001036489.7), dbSNP rs1219517329, ClinGen allele CA394690689.